The following is an entry in ClinVar:

ClinVar aggregate classification (germline): Uncertain significance. Review status: criteria provided, multiple submitters, no conflicts (2 of 4 stars). 2 submissions from 2 submitters: Uncertain significance (2). Last evaluated 2024-10-23.

Allele frequency attached by ClinVar (database versions not stated): gnomAD 0.00001; ExAC 0.00003; TOPMed 0.00003.
gnomAD v4.1: 22 of 1,614,020 alleles (0.0014%); highest among the groups gnomAD compares: Admixed American, 0.018%; no homozygotes.

Submissions (2):

Labcorp Genetics (formerly Invitae), Labcorp
Classification: Uncertain significance. Last evaluated: 2024-10-23. Review status: criteria provided, single submitter. Criteria: Invitae Variant Classification Sherloc (09022015). Collection method: clinical testing. Allele origin: germline.
Comment: This sequence change replaces arginine, which is basic and polar, with tryptophan, which is neutral and slightly polar, at codon 205 of the SORL1 protein (p.Arg205Trp). This variant is present in population databases (rs765651736, gnomAD 0.03%), and has an allele count higher than expected for a pathogenic variant. This variant has not been reported in the literature in individuals affected with SORL1-related conditions. ClinVar contains an entry for this variant (Variation ID: 2600544). An algorithm developed to predict the effect of missense changes on protein structure and function (PolyPhen-2) suggests that this variant is likely to be disruptive. In summary, the available evidence is currently insufficient to determine the role of this variant in disease. Therefore, it has been classified as a Variant of Uncertain Significance.

Ambry Genetics
Classification: Uncertain significance. Last evaluated: 2023-08-20. Review status: criteria provided, single submitter. Criteria: Ambry Variant Classification Scheme 2023. Collection method: clinical testing. Allele origin: germline.

NM_003105.6(SORL1):c.613C>T (p.Arg205Trp)

Gene: SORL1 (sortilin related receptor 1; plus strand). Cytogenetic location: 11q24.1.
Variant type: single nucleotide variant.
Coding change: c.613C>T on transcript NM_003105.6 (MANE Select); coding-DNA position 613, C replaced by T.
Protein change: p.Arg205Trp; replaces arginine 205 with tryptophan.
Molecular consequence: missense variant.
Genome position (GRCh38, 1-based): chr11:121,488,116, C>T. VCF-style: chr11-121488116-C-T. GRCh37 (hg19) VCF-style: chr11-121358825-C-T.
Other names: short protein forms R205W.
Identifiers: ClinVar variation 2600544 (VCV002600544.5), dbSNP rs765651736, ClinGen allele CA6328415.
Genomic context (GRCh38, chr11:121,488,116, plus strand): 5'-CAGTACCTCTGGATCACGTTTGACTTCTGCAACACTCTTCAAGGCTTTTCCATCCCATTT[C>T]GGGCAGCTGATCTCCTCCTACACAGTAAGGCCTCCAACCTTCTCTTGGGCTTTGACAGGT-3'
Protein context (NP_003096.2, residues 195-215): NTLQGFSIPF[Arg205Trp]AADLLLHSKA